The following is an entry in ClinVar:

ClinVar aggregate classification (germline): Likely pathogenic. Review status: criteria provided, multiple submitters, no conflicts (2 of 4 stars). 2 submissions from 2 submitters: Likely pathogenic (2). Last evaluated 2024-02-20.

Conditions:
Pontocerebellar hypoplasia type 2E. Identifiers: Orphanet 247198, MedGen C4014488, MONDO:0014370, OMIM 615851.

Submissions (2):

Fulgent Genetics
Classification: Likely pathogenic for Pontocerebellar hypoplasia type 2E. Last evaluated: 2024-02-20. Review status: criteria provided, single submitter. Criteria: ACMG Guidelines, 2015. Collection method: clinical testing. Allele origin: germline.

Juno Genomics, Hangzhou Juno Genomics, Inc
Classification: Likely pathogenic for Pontocerebellar hypoplasia type 2E. Review status: criteria provided, single submitter. Criteria: ACMG Guidelines, 2015. Collection method: clinical testing. Allele origin: germline.
Comment: Null variant in a gene where loss of function (LOF) is a known mechanism of disease.;Absent from controls (or at extremely low frequency if recessive) in Genome Aggregation Database.

NM_001128159.3(VPS53):c.1972del (p.Ser658fs)

Gene: VPS53 (VPS53 subunit of GARP complex; minus strand). Cytogenetic location: 17p13.3.
Variant type: Deletion.
Coding change: c.1972del on transcript NM_001128159.3 (MANE Select); coding-DNA position 1972, one base deleted (T; older notation c.1972delT).
Protein change: p.Ser658fs; shifts the reading frame from serine 658.
Molecular consequence: frameshift variant.
Genome position (GRCh38, 1-based): chr17:537,071, A deleted on the plus strand (T on the coding strand, the reverse complement: VPS53 is on the minus strand); the first of 2 consecutive A bases (chr17:537,071-537,072); deleting either gives the same sequence. VCF-style (leftmost placement, unchanged base first): chr17-537070-GA-G. GRCh37 (hg19) VCF-style: chr17-440310-GA-G.
Other names: c.1972del, p.Ser658fs (NM_001366253.2); c.1378del, p.Ser460fs (NM_001366254.2); c.1885del, p.Ser629fs (NM_018289.4); short protein forms S460fs, S629fs, S658fs.
Identifiers: ClinVar variation 3582153 (VCV003582153.3).